The following is an entry in ClinVar:

ClinVar aggregate classification (germline): Uncertain significance. Review status: criteria provided, multiple submitters, no conflicts (2 of 4 stars). 4 submissions from 4 submitters: Uncertain significance (4). Last evaluated 2022-09-15.

Conditions:
Meckel-Gruber syndrome. Also called: DYSENCEPHALIA SPLANCHNOCYSTICA; GRUBER SYNDROME; Dysencephalia splachnocystica. Identifiers: Orphanet 564, MedGen C0265215, MONDO:0018921.
Joubert syndrome. Also called: Familial aplasia of the vermis; JOUBERT-BOLTSHAUSER SYNDROME. Identifiers: Orphanet 475, MedGen C5979921, MONDO:0018772.
Inborn genetic diseases. Identifiers: MedGen C0950123, MeSH D030342.

Allele frequency attached by ClinVar (database versions not stated): ExAC 0.00002; gnomAD exomes 0.00002 and 0.00003; gnomAD 0.00004 and 0.00005; TOPMed 0.00005; ESP Exome Variant Server 0.00008.
gnomAD v4.1: 44 of 1,614,076 alleles (0.0027%); highest among the groups gnomAD compares: Non-Finnish European, 0.0035%; no homozygotes.

Submissions (4):

Blueprint Genetics
Classification: Uncertain significance. Last evaluated: 2022-09-15. Review status: criteria provided, single submitter. Criteria: ACMG Guidelines, 2015. Collection method: clinical testing. Allele origin: germline.

Labcorp Genetics (formerly Invitae), Labcorp
Classification: Uncertain significance for Joubert syndrome; Meckel-Gruber syndrome. Last evaluated: 2022-06-10. Review status: criteria provided, single submitter. Criteria: Invitae Variant Classification Sherloc (09022015). Collection method: clinical testing. Allele origin: germline.
Comment: This sequence change replaces isoleucine, which is neutral and non-polar, with valine, which is neutral and non-polar, at codon 514 of the TCTN1 protein (p.Ile514Val). This variant is present in population databases (rs371539069, gnomAD 0.006%). This variant has not been reported in the literature in individuals affected with TCTN1-related conditions. ClinVar contains an entry for this variant (Variation ID: 377173). Algorithms developed to predict the effect of missense changes on protein structure and function output the following: SIFT: "Tolerated"; PolyPhen-2: "Benign"; Align-GVGD: "Class C15". The valine amino acid residue is found in multiple mammalian species, which suggests that this missense change does not adversely affect protein function. In summary, the available evidence is currently insufficient to determine the role of this variant in disease. Therefore, it has been classified as a Variant of Uncertain Significance.

Ambry Genetics
Classification: Uncertain significance for Inborn genetic diseases. Last evaluated: 2022-06-09. Review status: criteria provided, single submitter. Criteria: Ambry Variant Classification Scheme 2023. Collection method: clinical testing. Allele origin: germline.

Center for Pediatric Genomic Medicine, Children's Mercy Hospital and Clinics
Classification: Uncertain significance. Last evaluated: 2016-09-13. Review status: criteria provided, single submitter. Criteria: ACMG Guidelines, 2015. Collection method: clinical testing. Allele origin: germline.
ClinVar note: Converted during submission from Uncertain Significance to Uncertain significance.

NM_001082538.3(TCTN1):c.1540A>G (p.Ile514Val)

Gene: TCTN1 (tectonic family member 1; plus strand). Cytogenetic location: 12q24.11.
Variant type: single nucleotide variant.
Coding change: c.1540A>G on transcript NM_001082538.3 (MANE Select); coding-DNA position 1540, A replaced by G.
Protein change: p.Ile514Val; replaces isoleucine 514 with valine.
Molecular consequence: missense variant. On other transcripts: non-coding transcript variant (1).
Genome position (GRCh38, 1-based): chr12:110,647,241, A>G. VCF-style: chr12-110647241-A-G. GRCh37 (hg19) VCF-style: chr12-111085046-A-G.
Other names: c.1540A>G (NM_001082538.2); c.1525A>G, p.Ile509Val (NM_001082537.3); c.1357A>G, p.Ile453Val (NM_001173975.3); c.1213A>G, p.Ile405Val (NM_001173976.2); c.1378A>G, p.Ile460Val (NM_001319680.2); c.991A>G, p.Ile331Val (NM_001319681.2); c.1483A>G, p.Ile495Val (NM_024549.6); short protein forms I495V, I453V, I460V, I509V, I514V, I405V, I331V.
Identifiers: ClinVar variation 377173 (VCV000377173.8), dbSNP rs371539069, ClinGen allele CA6786919.